The following is an entry in ClinVar:

NM_001170629.2(CHD8):c.4475T>C (p.Leu1492Pro)

Gene: CHD8 (chromodomain helicase DNA binding protein 8; minus strand). Cytogenetic location: 14q11.2.
Variant type: single nucleotide variant.
Coding change: c.4475T>C on transcript NM_001170629.2 (MANE Select); coding-DNA position 4475, T replaced by C.
Protein change: p.Leu1492Pro; replaces leucine 1492 with proline.
Molecular consequence: missense variant.
Genome position (GRCh38, 1-based): chr14:21,400,508, A>G on the plus strand (T>C on the coding strand, the complement: CHD8 is on the minus strand). VCF-style: chr14-21400508-A-G. GRCh37 (hg19) VCF-style: chr14-21868667-A-G.
Other names: c.3638T>C, p.Leu1213Pro (NM_020920.4); short protein forms L1213P, L1492P.
Identifiers: ClinVar variation 5010063 (VCV005010063.1).
Genomic context (GRCh38, chr14:21,400,508, plus strand): 5'-TCAGCTGGGCTAATCAAGTCCCAGATGAAGCCTTTAATATTTTCATCCCCACGGTAGTGT[A>G]GAAGACAGTACACGAGAATGGCCCGACAAATGGTCTCCACATCTCGTTCAGTCATACGTC-3'
Protein context (NP_001164100.1, residues 1482-1502): ICRAILVYCL[Leu1492Pro]HYRGDENIKG

ClinVar aggregate classification (germline): Uncertain significance (1 of 4 stars; one submission).

Submission:

GeneDx
Classification: Uncertain significance. Last evaluated: 2026-02-23. Review status: criteria provided, single submitter. Criteria: GeneDx Variant Classification Process June 2021. Collection method: clinical testing. Allele origin: germline.
Comment: Not observed at significant frequency in large population cohorts (gnomAD); In silico analysis suggests that this missense variant does not alter protein structure/function; Has not been previously published as pathogenic or benign to our knowledge